The following is an entry in ClinVar:

ClinVar aggregate classification (germline): Uncertain significance (1 of 4 stars; one submission).

gnomAD v4.1: 6 of 1,613,886 alleles (0.00037%); highest among the groups gnomAD compares: Non-Finnish European, 0.00051%; no homozygotes.

Submission:

Labcorp Genetics (formerly Invitae), Labcorp
Classification: Uncertain significance. Last evaluated: 2023-06-30. Review status: criteria provided, single submitter. Criteria: Invitae Variant Classification Sherloc (09022015). Collection method: clinical testing. Allele origin: germline.
Comment: This sequence change replaces valine, which is neutral and non-polar, with phenylalanine, which is neutral and non-polar, at codon 2286 of the CDH23 protein (p.Val2286Phe). This variant is present in population databases (rs548373542, gnomAD 0.003%). This variant has not been reported in the literature in individuals affected with CDH23-related conditions. ClinVar contains an entry for this variant (Variation ID: 1927253). Advanced modeling of protein sequence and biophysical properties (such as structural, functional, and spatial information, amino acid conservation, physicochemical variation, residue mobility, and thermodynamic stability) has been performed at Invitae for this missense variant, however the output from this modeling did not meet the statistical confidence thresholds required to predict the impact of this variant on CDH23 protein function. In summary, the available evidence is currently insufficient to determine the role of this variant in disease. Therefore, it has been classified as a Variant of Uncertain Significance.

NM_022124.6(CDH23):c.6856G>T (p.Val2286Phe)

Gene: CDH23 (cadherin related 23; plus strand). Cytogenetic location: 10q22.1.
Variant type: single nucleotide variant.
Coding change: c.6856G>T on transcript NM_022124.6 (MANE Select); coding-DNA position 6856, G replaced by T.
Protein change: p.Val2286Phe; replaces valine 2286 with phenylalanine.
Molecular consequence: missense variant.
Genome position (GRCh38, 1-based): chr10:71,798,380, G>T. VCF-style: chr10-71798380-G-T. GRCh37 (hg19) VCF-style: chr10-73558137-G-T.
Other names: c.136G>T, p.Val46Phe (NM_001171933.1, NM_001171934.1); short protein forms V46F, V2286F.
Identifiers: ClinVar variation 1927253 (VCV001927253.5), dbSNP rs548373542, ClinGen allele CA5546211.